The following is an entry in ClinVar:

NM_001283009.2(RTEL1):c.1405C>A (p.Arg469Ser)

Genes: RTEL1 (regulator of telomere elongation helicase 1; plus strand), RTEL1-TNFRSF6B (RTEL1-TNFRSF6B readthrough (NMD candidate); plus strand). Cytogenetic location: 20q13.33.
Variant type: single nucleotide variant.
Coding change: c.1405C>A on transcript NM_001283009.2 (MANE Select); coding-DNA position 1405, C replaced by A.
Protein change: p.Arg469Ser; replaces arginine 469 with serine.
Molecular consequence: missense variant. On other transcripts: non-coding transcript variant (1).
Genome position (GRCh38, 1-based): chr20:63,687,694, C>A. VCF-style: chr20-63687694-C-A. GRCh37 (hg19) VCF-style: chr20-62319047-C-A.
Other names: c.736C>A, p.Arg246Ser (NM_001283010.1); c.1405C>A, p.Arg469Ser (NM_016434.4); c.1477C>A, p.Arg493Ser (NM_032957.5); short protein forms R246S, R469S, R493S.
Identifiers: ClinVar variation 1312531 (VCV001312531.2), dbSNP rs369940581, ClinGen allele CA409676269.

ClinVar aggregate classification (germline): Uncertain significance (1 of 4 stars; one submission).

gnomAD v4.1: 6 of 1,607,710 alleles (0.00037%); highest among the groups gnomAD compares: South Asian, 0.0066%; no homozygotes.

Submission:

GeneDx
Classification: Uncertain significance. Last evaluated: 2020-03-17. Review status: criteria provided, single submitter. Criteria: GeneDx Variant Classification Process June 2021. Collection method: clinical testing. Allele origin: germline. Affected: yes.
Comment: Not observed in large population cohorts (Lek et al., 2016); In silico analysis supports that this missense variant does not alter protein structure/function; Has not been previously published as pathogenic or benign to our knowledge